The following is an entry in ClinVar:

ClinVar aggregate classification (germline): Uncertain significance (1 of 4 stars; one submission).

Conditions:
Mendelian susceptibility to mycobacterial diseases due to complete IL12RB1 deficiency. Also called: IL12RB1 DEFICIENCY; Immunodeficiency 30. Identifiers: Orphanet 319552, MedGen C4013949, MONDO:0013955, OMIM 614891.

Submission:

Labcorp Genetics (formerly Invitae), Labcorp
Classification: Uncertain significance for Mendelian susceptibility to mycobacterial diseases due to complete IL12RB1 deficiency. Last evaluated: 2024-02-17. Review status: criteria provided, single submitter. Criteria: Invitae Variant Classification Sherloc (09022015). Collection method: clinical testing. Allele origin: germline.
Comment: This sequence change replaces histidine, which is basic and polar, with arginine, which is basic and polar, at codon 333 of the IL12RB1 protein (p.His333Arg). This variant is not present in population databases (gnomAD no frequency). This variant has not been reported in the literature in individuals affected with IL12RB1-related conditions. ClinVar contains an entry for this variant (Variation ID: 1970076). Advanced modeling of protein sequence and biophysical properties (such as structural, functional, and spatial information, amino acid conservation, physicochemical variation, residue mobility, and thermodynamic stability) performed at Invitae indicates that this missense variant is not expected to disrupt IL12RB1 protein function with a negative predictive value of 80%. In summary, the available evidence is currently insufficient to determine the role of this variant in disease. Therefore, it has been classified as a Variant of Uncertain Significance.

NM_005535.3(IL12RB1):c.998A>G (p.His333Arg)

Gene: IL12RB1 (interleukin 12 receptor subunit beta 1; minus strand). Cytogenetic location: 19p13.11.
Variant type: single nucleotide variant.
Coding change: c.998A>G on transcript NM_005535.3 (MANE Select); coding-DNA position 998, A replaced by G.
Protein change: p.His333Arg; replaces histidine 333 with arginine.
Molecular consequence: missense variant.
Genome position (GRCh38, 1-based): chr19:18,072,135, T>C on the plus strand (A>G on the coding strand, the complement: IL12RB1 is on the minus strand). VCF-style: chr19-18072135-T-C. GRCh37 (hg19) VCF-style: chr19-18182945-T-C.
Other names: c.998A>G, p.His333Arg (NM_001290023.2, NM_153701.3); c.1118A>G, p.His373Arg (NM_001290024.2); short protein forms H333R, H373R.
Identifiers: ClinVar variation 1970076 (VCV001970076.5), dbSNP rs2515144762, ClinGen allele CA404779956.